The following is an entry in ClinVar:

ClinVar aggregate classification (germline): Pathogenic/Likely pathogenic. Review status: criteria provided, multiple submitters, no conflicts (2 of 4 stars). 4 submissions from 4 submitters: Pathogenic (1); Likely pathogenic (2). 1 of the submissions does not count toward it. Last evaluated 2025-11-17.

Conditions:
Ehlers-Danlos syndrome due to tenascin-X deficiency (EDSCLL1). Also called: EDS DUE TO TNX DEFICIENCY; EHLERS-DANLOS SYNDROME, CLASSIC-LIKE; Ehlers-Danlos syndrome, classic-like, 1; TNXB-Related Classical-Like Ehlers-Danlos Syndrome; TNX DEFICIENCY. Identifiers: Orphanet 230839, MedGen C1848029, MONDO:0011670, OMIM 606408.
TNXB-related disorder. Also called: TNXB-related condition.

Submissions (4):

Myriad Genetics, Inc.
Classification: Pathogenic for Ehlers-Danlos syndrome due to tenascin-X deficiency. Last evaluated: 2025-11-17. Review status: criteria provided, single submitter. Criteria: Myriad Autosomal Dominant, Autosomal Recessive and X-Linked Classification Criteria (2023). Collection method: clinical testing. Allele origin: unknown.
Comment: NM_019105.6(TNXB):c.8600_8601insA(Q2868Pfs*3) is expected to be pathogenic in the context of classical-like Ehlers-Danlos syndrome, TNXB-related. This variant is predicted to lead to an abnormal or absent protein product due to the creation of a premature termination codon in TNXB, a gene where loss-of-function variants are known to be pathogenic. Please note: this variant was assessed in the context of healthy population screening.

Clinical Biomedical Laboratory, Shriners Hospital For Children - Canada
Classification: Likely pathogenic for Ehlers-Danlos syndrome due to tenascin-X deficiency. Last evaluated: 2025-10-05. Review status: criteria provided, single submitter. Criteria: ACMG Guidelines, 2015. Collection method: clinical testing. Allele origin: germline. Affected: yes.
Comment: This variant is predicted to substitute a glutamine residue by a proline residue in exon 25 of TNXB and introduce a stop codon 3 amino acids downstream. This is expected to lead to degradation of the affected transcript and loss of gene function. Biallelic loss-of-function variants in TNXB are an established cause of autosomal recessive classic-like Ehlers-Danlos syndrome 1 (PMID 9288108). This variant is absent from the Genome Aggregation Database (v2.1.1).

GeneDx
Classification: Likely pathogenic. Last evaluated: 2021-02-24. Review status: criteria provided, single submitter. Criteria: GeneDx Variant Classification Process June 2021. Collection method: clinical testing. Allele origin: germline. Affected: yes.
Comment: Has not been previously published as pathogenic or benign to our knowledge; Not observed in large population cohorts (Lek et al., 2016); Frameshift variant predicted to result in protein truncation or nonsense mediated decay in a gene for which loss-of-function is a known mechanism of disease

PreventionGenetics, part of Exact Sciences
Classification: Likely pathogenic for TNXB-related condition. Last evaluated: 2024-01-26. Review status: no assertion criteria provided. Collection method: clinical testing. Allele origin: germline. Not counted in ClinVar's aggregate classification.
Comment: The TNXB c.8600_8601insA variant is predicted to result in a frameshift and premature protein termination (p.Gln2868Profs*3). To our knowledge, this variant has not been reported in the literature or in a large population database, indicating this variant is rare. Frameshift variants in TNXB are expected to be pathogenic. This variant is interpreted as likely pathogenic.

Literature cited by the submitters: PubMed 9288108 (cited by Clinical Biomedical Laboratory, Shriners Hospital For Children - Canada).

NM_001365276.2(TNXB):c.8606_8607insA (p.Gln2870fs)

Gene: TNXB (tenascin XB; minus strand). Cytogenetic location: 6p21.33.
Variant type: Insertion.
Coding change: c.8606_8607insA on transcript NM_001365276.2 (MANE Select); coding-DNA positions 8606 to 8607, A inserted.
Protein change: p.Gln2870fs; shifts the reading frame from glutamine 2870.
Molecular consequence: frameshift variant.
Genome position: GRCh38 VCF-style: chr6-32053572-G-GT. GRCh37 (hg19) VCF-style: chr6-32021349-G-GT.
Other names: c.8600_8601insA, p.Gln2868fs (NM_019105.8); short protein forms Q2868fs, Q2870fs.
Identifiers: ClinVar variation 1193160 (VCV001193160.6), dbSNP rs2151897511, ClinGen allele CA2499218210.
Genomic context (GRCh38, chr6:32,053,572, plus strand): 5'-CCGCACCACCTTGGGCTGCCCATCCCCATTCCTGTACTGGACCAGGAAGTGGTCAAACTG[G>GT]CCCTCGGGGACCATCCAGGACAGGCTGAGGGAGTCAGGGGTGGCATCTGTCACGGTCAGC-3'